The following is an entry in ClinVar:

NM_000391.4(TPP1):c.1289T>A (p.Leu430Gln)

Gene: TPP1 (tripeptidyl peptidase 1; minus strand). Cytogenetic location: 11p15.4.
Variant type: single nucleotide variant.
Coding change: c.1289T>A on transcript NM_000391.4 (MANE Select); coding-DNA position 1289, T replaced by A.
Protein change: p.Leu430Gln; replaces leucine 430 with glutamine.
Molecular consequence: missense variant.
Genome position (GRCh38, 1-based): chr11:6,615,307, A>T on the plus strand (T>A on the coding strand, the complement: TPP1 is on the minus strand). VCF-style: chr11-6615307-A-T. GRCh37 (hg19) VCF-style: chr11-6636538-A-T.
Other names: p.L430Q:CTG>CAG; short protein forms L430Q.
Identifiers: ClinVar variation 207591 (VCV000207591.9), dbSNP rs780656523, ClinGen allele CA319208.

ClinVar aggregate classification (germline): Uncertain significance. Review status: criteria provided, multiple submitters, no conflicts (2 of 4 stars). 4 submissions from 4 submitters: Uncertain significance (3). 1 of the submissions does not count toward it. Last evaluated 2024-10-22.

Conditions:
Neuronal ceroid lipofuscinosis 2. Also called: JANSKY-BIELSCHOWSKY DISEASE NEURONAL CEROID LIPOFUSCINOSIS, LATE INFANTILE; TPP1-Related Neuronal Ceroid-Lipofuscinosis. Identifiers: Orphanet 168491, Orphanet 228349, Orphanet 79264, MedGen C1876161, MONDO:0008769, OMIM 204500.
Inborn genetic diseases. Identifiers: MedGen C0950123, MeSH D030342.

Allele frequency attached by ClinVar (database versions not stated): gnomAD exomes below 0.00001 and 0.00002; TOPMed below 0.00001; gnomAD 0.00001.
gnomAD v4.1: 24 of 1,614,090 alleles (0.0015%); highest among the groups gnomAD compares: Non-Finnish European, 0.002%; no homozygotes.

Submissions (4):

Labcorp Genetics (formerly Invitae), Labcorp
Classification: Uncertain significance. Last evaluated: 2024-10-22. Review status: criteria provided, single submitter. Criteria: Invitae Variant Classification Sherloc (09022015). Collection method: clinical testing. Allele origin: germline.
Comment: This sequence change replaces leucine, which is neutral and non-polar, with glutamine, which is neutral and polar, at codon 430 of the TPP1 protein (p.Leu430Gln). This variant is present in population databases (rs780656523, gnomAD 0.0009%). This variant has not been reported in the literature in individuals affected with TPP1-related conditions. ClinVar contains an entry for this variant (Variation ID: 207591). Invitae Evidence Modeling of protein sequence and biophysical properties (such as structural, functional, and spatial information, amino acid conservation, physicochemical variation, residue mobility, and thermodynamic stability) indicates that this missense variant is expected to disrupt TPP1 protein function with a positive predictive value of 95%. In summary, the available evidence is currently insufficient to determine the role of this variant in disease. Therefore, it has been classified as a Variant of Uncertain Significance.

Ambry Genetics
Classification: Uncertain significance for Inborn genetic diseases. Last evaluated: 2022-09-06. Review status: criteria provided, single submitter. Criteria: Ambry Variant Classification Scheme 2023. Collection method: clinical testing. Allele origin: germline.

GeneDx
Classification: Uncertain significance. Last evaluated: 2014-01-16. Review status: criteria provided, single submitter. Criteria: GeneDx Variant Classification (06012015). Collection method: clinical testing. Allele origin: germline. Affected: yes.
Comment: p.Leu430Gln (CTG>CAG): c.1289 T>A in exon 11 of the TPP1 gene (NM_000391.3)The Leu430Gln missense change in the TPP1 gene has not been published as a mutation, nor has it been reported as a benign polymorphism to our knowledge. It was not observed in approximately 6,500 individuals of European and African American ancestry in the NHLBI Exome Sequencing Project, indicating it is not a common benign variant in these populations. This variant is a non-conservative amino acid substitution of a non-polar Leucine residue with a polar Glutamine residue. It alters a position that is conserved across species, and other missense mutations associated with neuronal ceroid lipofuscinosis have been reported in this region of the protein. In silico analysis predicts this variant is probably damaging to the protein structure/function. However, based on the currently available information, it is unclear whether Leu430Gln is a disease-causing mutation or a rare benign variant and is interpreted to be of uncertain significance. The variant is found in EPILEPSY panel(s).

Natera, Inc.
Classification: Uncertain significance for Neuronal ceroid lipofuscinosis 2. Last evaluated: 2021-05-14. Review status: no assertion criteria provided. Collection method: clinical testing. Allele origin: germline. Not counted in ClinVar's aggregate classification.